The following is an entry in ClinVar:

ClinVar aggregate classification (germline): Conflicting classifications of pathogenicity. Review status: criteria provided, conflicting classifications (1 of 4 stars). 2 submissions from 2 submitters: Uncertain significance (1); Likely benign (1). Last evaluated 2023-12-18.

Submissions (2):

Blueprint Genetics
Classification: Likely benign. Last evaluated: 2023-12-18. Review status: criteria provided, single submitter. Criteria: ACMG Guidelines, 2015. Collection method: clinical testing. Allele origin: germline.

Labcorp Genetics (formerly Invitae), Labcorp
Classification: Uncertain significance. Last evaluated: 2021-09-22. Review status: criteria provided, single submitter. Criteria: Invitae Variant Classification Sherloc (09022015). Collection method: clinical testing. Allele origin: germline.
Comment: In summary, the available evidence is currently insufficient to determine the role of this variant in disease. Therefore, it has been classified as a Variant of Uncertain Significance. This variant has not been reported in the literature in individuals affected with PDE3A-related conditions. The frequency data for this variant in the population databases is considered unreliable, as metrics indicate poor data quality at this position in the ExAC database. This sequence change creates a premature translational stop signal (p.Glu171Glyfs*49) in the PDE3A gene. It is expected to result in an absent or disrupted protein product. However, the current clinical and genetic evidence is not sufficient to establish whether loss-of-function variants in PDE3A cause disease.

NM_000921.5(PDE3A):c.511dup (p.Glu171fs)

Genes: PDE3A (phosphodiesterase 3A; plus strand), PDE3A-AS1 (PDE3A antisense RNA 1; minus strand), LOC124625920 (Sharpr-MPRA regulatory region 8059; plus strand). Cytogenetic location: 12p12.2.
Variant type: Duplication.
Coding change: c.511dup on transcript NM_000921.5 (MANE Select); coding-DNA position 511, one base duplicated (G; older notation c.511dupG).
Protein change: p.Glu171fs; shifts the reading frame from glutamic acid 171.
Molecular consequence: frameshift variant. On other transcripts: 5 prime UTR variant (1).
Genome position (GRCh38, 1-based): chr12:20,369,795, G duplicated; the last of 7 consecutive G bases (chr12:20,369,789-20,369,795); duplicating any one gives the same sequence. VCF-style (leftmost placement, unchanged base first): chr12-20369788-C-CG. GRCh37 (hg19) VCF-style: chr12-20522722-C-CG.
Other names: c.511dup, p.Glu171fs (NM_001378407.1); c.-518dup (NM_001378408.1); short protein forms E171fs.
Identifiers: ClinVar variation 1432201 (VCV001432201.7), dbSNP rs780389664, ClinGen allele CA6473438.